The following is an entry in ClinVar:

ClinVar aggregate classification (germline): Uncertain significance (1 of 4 stars; one submission).

Conditions:
Brugada syndrome 8 (BRGDA8). Identifiers: Orphanet 130, MedGen C2751083, MONDO:0013148, OMIM 613123.

gnomAD v4.1: 5 of 1,408,384 alleles (0.00036%); highest among the groups gnomAD compares: South Asian, 0.0015%; no homozygotes.

Submission:

Labcorp Genetics (formerly Invitae), Labcorp
Classification: Uncertain significance for Brugada syndrome 8. Last evaluated: 2024-07-25. Review status: criteria provided, single submitter. Criteria: Invitae Variant Classification Sherloc (09022015). Collection method: clinical testing. Allele origin: germline.
Comment: This sequence change replaces threonine, which is neutral and polar, with methionine, which is neutral and non-polar, at codon 89 of the HCN4 protein (p.Thr89Met). This variant is not present in population databases (gnomAD no frequency). This variant has not been reported in the literature in individuals affected with HCN4-related conditions. Advanced modeling of protein sequence and biophysical properties (such as structural, functional, and spatial information, amino acid conservation, physicochemical variation, residue mobility, and thermodynamic stability) performed at Invitae indicates that this missense variant is not expected to disrupt HCN4 protein function with a negative predictive value of 95%. In summary, the available evidence is currently insufficient to determine the role of this variant in disease. Therefore, it has been classified as a Variant of Uncertain Significance.

NM_005477.3(HCN4):c.266C>T (p.Thr89Met)

Gene: HCN4 (hyperpolarization activated cyclic nucleotide gated potassium channel 4; minus strand). Cytogenetic location: 15q24.1.
Variant type: single nucleotide variant.
Coding change: c.266C>T on transcript NM_005477.3 (MANE Select); coding-DNA position 266, C replaced by T.
Protein change: p.Thr89Met; replaces threonine 89 with methionine.
Molecular consequence: missense variant.
Genome position (GRCh38, 1-based): chr15:73,368,005, G>A on the plus strand (C>T on the coding strand, the complement: HCN4 is on the minus strand). VCF-style: chr15-73368005-G-A. GRCh37 (hg19) VCF-style: chr15-73660346-G-A.
Other names: short protein forms T89M.
Identifiers: ClinVar variation 3670195 (VCV003670195.2).